The following is an entry in ClinVar:

ClinVar aggregate classification (germline): Pathogenic (1 of 4 stars; one submission).

Submission:

Labcorp Genetics (formerly Invitae), Labcorp
Classification: Pathogenic. Last evaluated: 2021-10-15. Review status: criteria provided, single submitter. Criteria: Invitae Variant Classification Sherloc (09022015). Collection method: clinical testing. Allele origin: germline.
Comment: For these reasons, this variant has been classified as Pathogenic. This variant has not been reported in the literature in individuals affected with TSFM-related conditions. This variant is a gross deletion of the genomic region encompassing exon(s) 1 of the TSFM gene, which includes the initiator codon. This deletion extends beyond the assayed region for this gene and therefore may encompass additional genes. It is expected to result in an absent or disrupted protein product. Loss-of-function variants in TSFM are known to be pathogenic (PMID: 17033963, 20435138, 25037205, 27677415).

Literature cited by the submitters: PubMed 17033963; PubMed 20435138; PubMed 25037205; PubMed 27677415.

NC_000012.11:g.(?_58176575)_(58176651_?)del

Gene: TSFM (Ts translation elongation factor, mitochondrial; plus strand). Cytogenetic location: 12q14.1.
Variant type: Deletion.
Identifiers: ClinVar variation 1452867 (VCV001452867.4).